The following is an entry in ClinVar:

ClinVar aggregate classification (germline): Likely pathogenic (1 of 4 stars; one submission).

Conditions:
Usher syndrome type 2A. Also called: RETINAL DISEASE IN USHER SYNDROME TYPE IIA, MODIFIER OF; USHER SYNDROME, TYPE IIA. Identifiers: Orphanet 231178, Orphanet 886, MedGen C1848634, MONDO:0010169, OMIM 276901.

Submission:

Myriad Genetics, Inc.
Classification: Likely pathogenic for Usher syndrome type 2A. Last evaluated: 2022-02-02. Review status: criteria provided, single submitter. Criteria: Myriad Women's Health Autosomal Recessive and X-Linked Classification Criteria (2021). Collection method: clinical testing. Allele origin: unknown.
Comment: NM_206933.2(USH2A):c.4651A>T(K1551*) is expected to be pathogenic in the context of USH2A-related disorders. This variant is predicted to lead to an abnormal or absent protein product due to the creation of a premature termination codon in USH2A, a gene where loss-of-function variants are known to be pathogenic. Please note: this variant was assessed in the context of healthy population screening.

NM_206933.4(USH2A):c.4651A>T (p.Lys1551Ter)

Gene: USH2A (usherin; minus strand). Cytogenetic location: 1q41.
Variant type: single nucleotide variant.
Coding change: c.4651A>T on transcript NM_206933.4 (MANE Select); coding-DNA position 4651, A replaced by T.
Protein change: p.Lys1551Ter; replaces lysine 1551 with a stop codon.
Molecular consequence: nonsense.
Genome position (GRCh38, 1-based): chr1:216,097,190, T>A on the plus strand (A>T on the coding strand, the complement: USH2A is on the minus strand). VCF-style: chr1-216097190-T-A. GRCh37 (hg19) VCF-style: chr1-216270532-T-A.
Other names: short protein forms K1551*.
Identifiers: ClinVar variation 1724222 (VCV001724222.2), dbSNP rs2527835936, ClinGen allele CA344861384.